The following is an entry in ClinVar:

NM_000038.6(APC):c.1474_1487del (p.His492fs)

Gene: APC (APC regulator of Wnt signaling pathway; plus strand). Cytogenetic location: 5q22.2.
Variant type: Deletion.
Coding change: c.1474_1487del on transcript NM_000038.6 (MANE Select); coding-DNA positions 1474 to 1487, 14 bases deleted (CACTACAGTATTAC).
Protein change: p.His492fs; shifts the reading frame from histidine 492.
Molecular consequence: frameshift variant.
Genome position (GRCh38, 1-based): chr5:112,827,173-112,827,186, CACTACAGTATTAC deleted; deleting any 14 consecutive bases within chr5:112,827,171-112,827,186 gives the same sequence; the c. name uses the placement nearest the transcript's 3' end. VCF-style (leftmost placement, unchanged base first): chr5-112827170-GACCACTACAGTATT-G. GRCh37 (hg19) VCF-style: chr5-112162867-GACCACTACAGTATT-G.
Other names: c.1474_1487del, p.His492fs (NM_001127510.3, NM_001354895.2); c.1420_1433del, p.His474fs (NM_001127511.3); c.1528_1541del, p.His510fs (NM_001354896.2); c.1504_1517del, p.His502fs (NM_001354897.2); c.1399_1412del, p.His467fs (NM_001354898.2); c.1390_1403del, p.His464fs (NM_001354899.2); c.1351_1364del, p.His451fs (NM_001354900.2); c.1297_1310del, p.His433fs (NM_001354901.2); and 16 more; short protein forms H474fs, H332fs, H391fs, H401fs, H451fs, H492fs, H209fs, H366fs.
Identifiers: ClinVar variation 1773426 (VCV001773426.3), dbSNP rs2533196638, ClinGen allele CA2580072265.

ClinVar aggregate classification (germline): Pathogenic. Review status: criteria provided, multiple submitters, no conflicts (2 of 4 stars). 2 submissions from 2 submitters: Pathogenic (2). Last evaluated 2023-05-01.

Conditions:
Hereditary cancer-predisposing syndrome. Also called: Hereditary Cancer Syndrome; Hereditary neoplastic syndrome; Neoplastic Syndromes, Hereditary; Tumor predisposition. Identifiers: Orphanet 140162, MedGen C0027672, MeSH D009386, MONDO:0015356.
Familial adenomatous polyposis 1 (FAP1). Also called: FAMILIAL ADENOMATOUS POLYPOSIS 1, ATTENUATED; POLYPOSIS, ADENOMATOUS INTESTINAL. Identifiers: MedGen C2713442, MONDO:0021056, OMIM 175100. Disease mechanism: loss of function.

Submissions (2):

Myriad Genetics, Inc.
Classification: Pathogenic for Familial adenomatous polyposis 1. Last evaluated: 2023-05-01. Review status: criteria provided, single submitter. Criteria: Myriad Autosomal Dominant, Autosomal Recessive and X-Linked Classification Criteria (2023). Collection method: clinical testing. Allele origin: unknown.
Comment: This variant is considered pathogenic. This variant creates a frameshift predicted to result in premature protein truncation.

Ambry Genetics
Classification: Pathogenic for Hereditary cancer-predisposing syndrome. Last evaluated: 2015-10-31. Review status: criteria provided, single submitter. Criteria: Ambry Variant Classification Scheme 2023. Collection method: clinical testing. Allele origin: germline.
Comment: The c.1474_1487del14 pathogenic mutation, located in coding exon 11 of the APC gene, results from a deletion of 14 nucleotides between positions 1474 and 1487, causing a translational frameshift with a predicted alternate stop codon. Since frameshifts are typically deleterious in nature, this alteration is interpreted as a disease-causing mutation (ACMG Recommendations for Standards for Interpretation and Reporting of Sequence Variations. Revision 2007. Genet Med. 2008;10:294).